The following is an entry in ClinVar:

NM_001005242.3(PKP2):c.1649T>C (p.Ile550Thr)

Gene: PKP2 (plakophilin 2; minus strand). Cytogenetic location: 12p11.21.
Variant type: single nucleotide variant.
Coding change: c.1649T>C on transcript NM_001005242.3 (MANE Select); coding-DNA position 1649, T replaced by C.
Protein change: p.Ile550Thr; replaces isoleucine 550 with threonine.
Molecular consequence: missense variant.
Genome position (GRCh38, 1-based): chr12:32,824,070, A>G on the plus strand (T>C on the coding strand, the complement: PKP2 is on the minus strand). VCF-style: chr12-32824070-A-G. GRCh37 (hg19) VCF-style: chr12-32977004-A-G.
Other names: c.1649T>C, p.Ile550Thr (NM_001407155.1, NM_001407156.1, NM_001407161.1); c.1781T>C, p.Ile594Thr (NM_001407157.1, NM_004572.4); c.1322T>C, p.Ile441Thr (NM_001407158.1, NM_001407159.1, NM_001407160.1 and 1 more transcripts); short protein forms I594T, I441T, I550T.
Identifiers: ClinVar variation 2161657 (VCV002161657.5), dbSNP rs1592738583, ClinGen allele CA384364605.

ClinVar aggregate classification (germline): Uncertain significance. Review status: criteria provided, multiple submitters, no conflicts (2 of 4 stars). 3 submissions from 3 submitters: Uncertain significance (3). Last evaluated 2025-01-22.

Conditions:
Arrhythmogenic right ventricular dysplasia 9 (ARVD9). Also called: ARRHYTHMOGENIC RIGHT VENTRICULAR DYSPLASIA, FAMILIAL, 9; Arrhythmogenic Right Ventricular Dysplasia/Cardiomyopathy 9. Identifiers: MedGen C1836906, MONDO:0012180, OMIM 609040.
Cardiomyopathy (CMYO). Also called: Cardiomyopathies. Identifiers: Orphanet 167848, MedGen C0878544, MONDO:0004994, HP:0001638. Inheritance: Various modes of inheritance.
Arrhythmogenic right ventricular cardiomyopathy (ARVD). Also called: Arrhythmogenic right ventricular dysplasia; Cardiomyopathy, ARVC; Arrhythmogenic cardiomyopathy; Arrhythmogenic Right Ventricular Cardiomyopathy (ARVC). Identifiers: Orphanet 247, MedGen C0349788, MeSH D019571, MONDO:0016587. Disease mechanism: loss of function. Inheritance: Various modes of inheritance.

gnomAD v4.1: 7 of 1,603,228 alleles (0.00044%); highest among the groups gnomAD compares: South Asian, 0.0011%; no homozygotes.

Submissions (3):

Labcorp Genetics (formerly Invitae), Labcorp
Classification: Uncertain significance for Arrhythmogenic right ventricular dysplasia 9. Last evaluated: 2025-01-22. Review status: criteria provided, single submitter. Criteria: Invitae Variant Classification Sherloc (09022015). Collection method: clinical testing. Allele origin: germline.
Comment: This sequence change replaces isoleucine, which is neutral and non-polar, with threonine, which is neutral and polar, at codon 594 of the PKP2 protein (p.Ile594Thr). This variant is not present in population databases (gnomAD no frequency). This missense change has been observed in individual(s) with Brugada syndrome (PMID: 26230511). ClinVar contains an entry for this variant (Variation ID: 2161657). An algorithm developed to predict the effect of missense changes on protein structure and function (PolyPhen-2) suggests that this variant is likely to be tolerated. In summary, the available evidence is currently insufficient to determine the role of this variant in disease. Therefore, it has been classified as a Variant of Uncertain Significance.

All of Us Research Program, National Institutes of Health
Classification: Uncertain significance for Arrhythmogenic right ventricular cardiomyopathy. Last evaluated: 2023-12-13. Review status: criteria provided, single submitter. Criteria: ACMG Guidelines, 2015. Collection method: clinical testing. Allele origin: germline. Inheritance: Autosomal dominant inheritance. Observed: 1 variant allele, 1 heterozygote.
Comment: This missense variant replaces isoleucine with threonine at codon 594 of the PKP2 protein. Computational prediction is inconclusive regarding the impact of this variant on protein structure and function (internally defined REVEL score threshold 0.5 < inconclusive < 0.7, PMID: 27666373). To our knowledge, functional studies have not been reported for this variant. This variant has been reported in an individual affected with Brugada syndrome, whose daugher was also affected but did not carry this variant (PMID: 26230511). This variant has not been identified in the general population by the Genome Aggregation Database (gnomAD). The available evidence is insufficient to determine the role of this variant in disease conclusively. Therefore, this variant is classified as a Variant of Uncertain Significance.

This study involves interpretation of variants in research participants for the purpose of population health screening. Participant phenotype was not available at the time of variant classification. Additional details can be found in publication PMID: 35346344, PMCID: PMC8962531

Color Diagnostics, LLC DBA Color Health
Classification: Uncertain significance for Cardiomyopathy. Last evaluated: 2023-11-06. Review status: criteria provided, single submitter. Criteria: ACMG Guidelines, 2015. Collection method: clinical testing. Allele origin: germline.
Comment: This missense variant replaces isoleucine with threonine at codon 594 of the PKP2 protein. Computational prediction is inconclusive regarding the impact of this variant on protein structure and function. To our knowledge, functional studies have not been reported for this variant. This variant has been reported in an individual affected with Brugada syndrome, whose daugher was also affected but did not carry this variant (PMID: 26230511). This variant has not been identified in the general population by the Genome Aggregation Database (gnomAD). The available evidence is insufficient to determine the role of this variant in disease conclusively. Therefore, this variant is classified as a Variant of Uncertain Significance.

Literature cited by the submitters: PubMed 26230511 (cited by 3 submitters).